The following is an entry in ClinVar:

ClinVar aggregate classification (germline): Uncertain significance (1 of 4 stars; one submission).

Allele frequency attached by ClinVar (database versions not stated): gnomAD exomes below 0.00001.
gnomAD v4.1: 1 of 1,614,052 alleles (0.000062%); highest among the groups gnomAD compares: Non-Finnish European, 0.000085%; no homozygotes.

Submission:

Labcorp Genetics (formerly Invitae), Labcorp
Classification: Uncertain significance. Last evaluated: 2025-09-02. Review status: criteria provided, single submitter. Criteria: Invitae Variant Classification Sherloc (09022015). Collection method: clinical testing. Allele origin: germline.
Comment: This sequence change replaces leucine, which is neutral and non-polar, with histidine, which is basic and polar, at codon 627 of the GRM6 protein (p.Leu627His). This variant is present in population databases (no rsID available, gnomAD 0.002%). This variant has not been reported in the literature in individuals affected with GRM6-related conditions. ClinVar contains an entry for this variant (Variation ID: 1960136). Invitae Evidence Modeling of protein sequence and biophysical properties (such as structural, functional, and spatial information, amino acid conservation, physicochemical variation, residue mobility, and thermodynamic stability) has been performed for this missense variant. However, the output from this modeling did not meet the statistical confidence thresholds required to predict the impact of this variant on GRM6 protein function. In summary, the available evidence is currently insufficient to determine the role of this variant in disease. Therefore, it has been classified as a Variant of Uncertain Significance.

NM_000843.4(GRM6):c.1880T>A (p.Leu627His)

Genes: GRM6 (glutamate metabotropic receptor 6; minus strand), ZNF454 (zinc finger protein 454; plus strand). Cytogenetic location: 5q35.3.
Variant type: single nucleotide variant.
Coding change: c.1880T>A on transcript NM_000843.4 (MANE Select); coding-DNA position 1880, T replaced by A.
Protein change: p.Leu627His; replaces leucine 627 with histidine.
Molecular consequence: missense variant.
Genome position (GRCh38, 1-based): chr5:178,986,374, A>T on the plus strand (T>A on the coding strand, the complement: GRM6 is on the minus strand). VCF-style: chr5-178986374-A-T. GRCh37 (hg19) VCF-style: chr5-178413375-A-T.
Other names: short protein forms L627H.
Identifiers: ClinVar variation 1960136 (VCV001960136.5), dbSNP rs1490728355, ClinGen allele CA362426267.